The following is an entry in ClinVar:

ClinVar aggregate classification (germline): Uncertain significance (1 of 4 stars; one submission).

Submission:

Greenwood Genetic Center Diagnostic Laboratories, Greenwood Genetic Center
Classification: Uncertain significance. Last evaluated: 2023-10-27. Review status: criteria provided, single submitter. Criteria: ACMG Guidelines, 2015. Collection method: clinical testing. Allele origin: germline. Affected: yes.
Comment: PM2

NM_004006.3(DMD):c.9564-22C>G

Gene: DMD (dystrophin; minus strand). Cytogenetic location: Xp21.2.
Variant type: single nucleotide variant.
Coding change: c.9564-22C>G on transcript NM_004006.3 (MANE Select); 22 bases into the intron before coding-DNA position 9564, C replaced by G.
Molecular consequence: intron variant.
Genome position (GRCh38, 1-based): chrX:31,206,689, G>C on the plus strand (C>G on the coding strand, the complement: DMD is on the minus strand). VCF-style: chrX-31206689-G-C. GRCh37 (hg19) VCF-style: chrX-31224806-G-C.
Other names: c.5532-22C>G (NM_004012.4); c.2184-22C>G (NM_004023.3, NM_004020.4, NM_004013.3 and 2 more transcripts); c.360-22C>G (NM_004019.3, NM_004018.3, NM_004017.3 and 2 more transcripts); c.1377-22C>G (NM_004014.3); c.9552-22C>G (NM_004009.3); c.9195-22C>G (NM_004010.3); c.9540-22C>G (NM_000109.4); c.5541-22C>G (NM_004011.4).
Identifiers: ClinVar variation 2692579 (VCV002692579.1), dbSNP rs398124097, ClinGen allele CA222540.